The following is an entry in ClinVar:

NM_172107.4(KCNQ2):c.394G>A (p.Val132Met)

Gene: KCNQ2 (potassium voltage-gated channel subfamily Q member 2; minus strand). Cytogenetic location: 20q13.33.
Variant type: single nucleotide variant.
Coding change: c.394G>A on transcript NM_172107.4 (MANE Select); coding-DNA position 394, G replaced by A.
Protein change: p.Val132Met; replaces valine 132 with methionine.
Molecular consequence: missense variant.
Genome position (GRCh38, 1-based): chr20:63,445,358, C>T on the plus strand (G>A on the coding strand, the complement: KCNQ2 is on the minus strand). VCF-style: chr20-63445358-C-T. GRCh37 (hg19) VCF-style: chr20-62076711-C-T.
Other names: c.394G>A, p.Val132Met (NM_004518.6, NM_172106.3, NM_172108.5 and 1 more transcripts); short protein forms V132M.
Identifiers: ClinVar variation 872263 (VCV000872263.54), dbSNP rs1600789325, ClinGen allele CA409655627.

ClinVar aggregate classification (germline): Pathogenic/Likely pathogenic. Review status: criteria provided, multiple submitters, no conflicts (2 of 4 stars). 7 submissions from 7 submitters: Pathogenic (3); Likely pathogenic (4). Last evaluated 2025-04-09.

Conditions:
Seizures, benign familial neonatal, 1. Also called: KCNQ2-Related Benign Familial Neonatal Epilepsy; Benign Neonatal Epilepsy 1; Seizures, benign neonatal, 1; KCNQ2-Related Self-Limited Familial Neonatal Epilepsy (SLFNE). Identifiers: Orphanet 1949, MedGen C3149074, MONDO:0007365, OMIM 121200.
Developmental and epileptic encephalopathy, 7 (DEE7). Also called: KCNQ2-Related Neonatal Epileptic Encephalopathy; Early infantile epileptic encephalopathy 7; KCNQ2-Related Neonatal-Onset Developmental and Epileptic Encephalopathy (NEO-DEE). Identifiers: Orphanet 439218, MedGen C3150986, MONDO:0013387, OMIM 613720.
Early-infantile DEE. Also called: Ohtahara syndrome; Early infantile epileptic encephalopathy with suppression bursts; Early infantile epileptic encephalopathy. Identifiers: Orphanet 1934, MedGen C0393706, MONDO:0800491.
Seizure. Also called: Seizures. Identifiers: MedGen C0036572, HP:0001250.

Allele frequency attached by ClinVar (database versions not stated): gnomAD exomes below 0.00001.
gnomAD v4.1: 1 of 1,613,648 alleles (0.000062%); highest among the groups gnomAD compares: Non-Finnish European, 0.000085%; no homozygotes.

Submissions (7):

Cytogénomique, Hospices Civils de Lyon
Classification: Pathogenic for Seizure. Last evaluated: 2025-04-09. Review status: criteria provided, single submitter. Criteria: ACMG Guidelines, 2015. Collection method: clinical testing. Allele origin: unknown. Affected: yes.

GeneDx
Classification: Pathogenic. Last evaluated: 2024-09-17. Review status: criteria provided, single submitter. Criteria: GeneDx Variant Classification Process June 2021. Collection method: clinical testing. Allele origin: germline. Affected: yes.
Comment: Not observed at significant frequency in large population cohorts (gnomAD); In silico analysis supports that this missense variant has a deleterious effect on protein structure/function; In silico analysis is inconclusive as to whether the variant alters gene splicing. In the absence of RNA/functional studies, the actual effect of this sequence change is unknown.; This substitution is predicted to be within the transmembrane segment S2; This variant is associated with the following publications: (PMID: 31418850, 38814296, 35557555)

3billion
Classification: Likely pathogenic for Developmental and epileptic encephalopathy, 7. Last evaluated: 2024-06-21. Review status: criteria provided, single submitter. Criteria: ACMG Guidelines, 2015. Collection method: clinical testing. Allele origin: germline. Affected: yes.
Comment: The variant is observed at an extremely low frequency in the gnomAD v4.0.0 dataset (total allele frequency: <0.001%). Predicted Consequence/Location: Missense variant In silico tool predictions suggest damaging effect of the variant on gene or gene product [REVEL: 0.77 (>=0.6, sensitivity 0.68 and specificity 0.92)]. The same nucleotide change resulting in the same amino acid change has been previously reported as pathogenic/likely pathogenic with strong evidence (ClinVar ID: VCV000872263 /PMID: 31418850). The variant has been observed in at least two similarly affected unrelated individuals (ClinVar ID: SCV001387150.5, SCV002028371.1). Therefore, this variant is classified as Likely pathogenic according to the recommendation of ACMG/AMP guideline.

Labcorp Genetics (formerly Invitae), Labcorp
Classification: Pathogenic for Early-infantile DEE. Last evaluated: 2024-01-17. Review status: criteria provided, single submitter. Criteria: Invitae Variant Classification Sherloc (09022015). Collection method: clinical testing. Allele origin: germline.
Comment: This sequence change replaces valine, which is neutral and non-polar, with methionine, which is neutral and non-polar, at codon 132 of the KCNQ2 protein (p.Val132Met). This variant is not present in population databases (gnomAD no frequency). This missense change has been observed in individual(s) with KCNQ2-related conditions (PMID: 31418850; Invitae). In at least one individual the variant was observed to be de novo. ClinVar contains an entry for this variant (Variation ID: 872263). Advanced modeling of protein sequence and biophysical properties (such as structural, functional, and spatial information, amino acid conservation, physicochemical variation, residue mobility, and thermodynamic stability) performed at Invitae indicates that this missense variant is expected to disrupt KCNQ2 protein function with a positive predictive value of 95%. For these reasons, this variant has been classified as Pathogenic.

MGZ Medical Genetics Center
Classification: Likely pathogenic for Seizures, benign familial neonatal, 1. Last evaluated: 2021-11-23. Review status: criteria provided, single submitter. Criteria: ACMG Guidelines, 2015. Collection method: clinical testing. Allele origin: germline. Affected: yes. Observed: 1 variant allele.
Comment: ACMG criteria applied: PM6, PS4_SUP, PM2_SUP, PP2, PP3

Center for Molecular Medicine, Children’s Hospital of Fudan University
Classification: Likely pathogenic for Seizures, benign familial neonatal, 1; Developmental and epileptic encephalopathy, 7. Last evaluated: 2021-11-01. Review status: criteria provided, single submitter. Criteria: ACMG Guidelines, 2015. Collection method: clinical testing. Allele origin: unknown. Affected: yes.

CeGaT Center for Human Genetics Tuebingen
Classification: Likely pathogenic. Last evaluated: 2019-10-01. Review status: criteria provided, single submitter. Criteria: CeGaT Center For Human Genetics Tuebingen Variant Classification Criteria Version 2. Collection method: clinical testing. Allele origin: germline. Affected: yes. Observed: 3 variant alleles.

Literature cited by the submitters: PubMed 31418850 (cited by 3billion and Labcorp Genetics (formerly Invitae), Labcorp).